The following is an entry in ClinVar:

ClinVar aggregate classification (germline): Uncertain significance. Review status: criteria provided, multiple submitters, no conflicts (2 of 4 stars). 8 submissions from 8 submitters: Uncertain significance (8). Last evaluated 2025-10-13.

Conditions:
Familial adenomatous polyposis 1 (FAP1). Also called: FAMILIAL ADENOMATOUS POLYPOSIS 1, ATTENUATED; POLYPOSIS, ADENOMATOUS INTESTINAL. Identifiers: MedGen C2713442, MONDO:0021056, OMIM 175100. Disease mechanism: loss of function.
Gastric adenocarcinoma and proximal polyposis of the stomach (GAPPS). Also called: POLYPOSIS, GASTRIC; Gastric Adenocarcinoma and Proximal Polyposis of the Stomach (GAPPS); Polyposis, gastric, Dos Santos and de Magalhaes 1980. Identifiers: Orphanet 314022, MedGen C4749917, MONDO:0017790, OMIM 619182.
Desmoid disease, hereditary (DESMD). Also called: FIBROMATOSIS, FAMILIAL INFILTRATIVE. Identifiers: Orphanet 873, MedGen C1851124, OMIM 135290. Disease mechanism: loss of function.
Hepatocellular carcinoma (HCC). Also called: Primary carcinoma of liver; HEPATOMA; LIVER CELL CARCINOMA. Identifiers: Orphanet 88673, MedGen C2239176, MONDO:0007256, OMIM 114550, HP:0001402.
Gastric cancer. Also called: Malignant tumor of stomach; Stomach cancer. Identifiers: MedGen C0024623, MeSH D013274, MONDO:0001056, OMIM 613659, HP:0012126.
Colorectal cancer. Also called: Malignant Colorectal Neoplasm; Colorectal cancer, somatic. Identifiers: MedGen C0346629, MONDO:0005575, OMIM 114500.
Classic or attenuated familial adenomatous polyposis. Identifiers: MedGen CN372698, MONDO:0021057.
Hereditary cancer-predisposing syndrome. Also called: Neoplastic Syndromes, Hereditary; Hereditary Cancer Syndrome; Hereditary neoplastic syndrome; Tumor predisposition. Identifiers: Orphanet 140162, MedGen C0027672, MeSH D009386, MONDO:0015356.

Allele frequency attached by ClinVar (database versions not stated): gnomAD below 0.00001 and 0.00001; gnomAD exomes below 0.00001; TOPMed below 0.00001.
gnomAD v4.1: 4 of 1,610,428 alleles (0.00025%); highest among the groups gnomAD compares: South Asian, 0.0033%; no homozygotes.

Submissions (8):

Labcorp Genetics (formerly Invitae), Labcorp
Classification: Uncertain significance for Familial adenomatous polyposis 1. Last evaluated: 2025-10-13. Review status: criteria provided, single submitter. Criteria: Invitae Variant Classification Sherloc (09022015). Collection method: clinical testing. Allele origin: germline.
Comment: This sequence change replaces methionine, which is neutral and non-polar, with isoleucine, which is neutral and non-polar, at codon 271 of the APC protein (p.Met271Ile). This variant is not present in population databases (gnomAD no frequency). This variant has not been reported in the literature in individuals affected with APC-related conditions. ClinVar contains an entry for this variant (Variation ID: 419482). Invitae Evidence Modeling of protein sequence and biophysical properties (such as structural, functional, and spatial information, amino acid conservation, physicochemical variation, residue mobility, and thermodynamic stability) indicates that this missense variant is not expected to disrupt APC protein function with a negative predictive value of 95%. In summary, the available evidence is currently insufficient to determine the role of this variant in disease. Therefore, it has been classified as a Variant of Uncertain Significance.

Color Diagnostics, LLC DBA Color Health
Classification: Uncertain significance for Hereditary cancer-predisposing syndrome. Last evaluated: 2025-06-12. Review status: criteria provided, single submitter. Criteria: ACMG Guidelines, 2015. Collection method: clinical testing. Allele origin: germline.
Comment: This missense variant replaces methionine with isoleucine at codon 271 of the APC protein. Computational prediction suggests that this variant may not impact protein structure and function. To our knowledge, functional studies have not been reported for this variant. This variant has not been reported in individuals affected with APC-related disorders in the literature. This variant has not been identified in the general population by the Genome Aggregation Database (gnomAD). The available evidence is insufficient to determine the role of this variant in disease conclusively. Therefore, this variant is classified as a Variant of Uncertain Significance.

Ambry Genetics
Classification: Uncertain significance for Hereditary cancer-predisposing syndrome. Last evaluated: 2025-05-19. Review status: criteria provided, single submitter. Criteria: Ambry Variant Classification Scheme 2023. Collection method: clinical testing. Allele origin: germline.
Comment: The p.M271I variant (also known as c.813G>A), located in coding exon 7 of the APC gene, results from a G to A substitution at nucleotide position 813. The methionine at codon 271 is replaced by isoleucine, an amino acid with highly similar properties. This amino acid position is not well conserved in available vertebrate species. In addition, in silico predictors for this gene do not accurately predict pathogenicity. Missense alterations in APC are not a common cause of disease (Spier I et al. Genet Med. 2024 Feb;26(2):100992). Based on the available evidence, the clinical significance of this variant remains unclear.

GeneDx
Classification: Uncertain significance. Last evaluated: 2025-01-02. Review status: criteria provided, single submitter. Criteria: GeneDx Variant Classification Process June 2021. Collection method: clinical testing. Allele origin: germline. Affected: yes.
Comment: Not observed at significant frequency in large population cohorts (gnomAD); In silico analysis indicates that this missense variant does not alter protein structure/function; Has not been previously published as pathogenic or benign to our knowledge

Fulgent Genetics
Classification: Uncertain significance for Colorectal cancer; Hepatocellular carcinoma; Desmoid disease, hereditary; Familial adenomatous polyposis 1; Gastric cancer; Gastric adenocarcinoma and proximal polyposis of the stomach. Last evaluated: 2024-06-13. Review status: criteria provided, single submitter. Criteria: ACMG Guidelines, 2015. Collection method: clinical testing. Allele origin: germline.

All of Us Research Program, National Institutes of Health
Classification: Uncertain significance for Classic or attenuated familial adenomatous polyposis. Last evaluated: 2023-12-13. Review status: criteria provided, single submitter. Criteria: ACMG Guidelines, 2015. Collection method: clinical testing. Allele origin: germline. Inheritance: Autosomal dominant inheritance. Observed: 4 variant alleles, 4 heterozygotes.
Comment: This missense variant replaces methionine with isoleucine at codon 271 of the APC protein. Computational prediction suggests that this variant may not impact protein structure and function (internally defined REVEL score threshold <= 0.5, PMID: 27666373). To our knowledge, functional studies have not been reported for this variant. This variant has not been reported in individuals affected with APC-related disorders in the literature. This variant has not been identified in the general population by the Genome Aggregation Database (gnomAD). The available evidence is insufficient to determine the role of this variant in disease conclusively. Therefore, this variant is classified as a Variant of Uncertain Significance.

This study involves interpretation of variants in research participants for the purpose of population health screening. Participant phenotype was not available at the time of variant classification. Additional details can be found in publication PMID: 35346344, PMCID: PMC8962531

Baylor Genetics
Classification: Uncertain significance for Familial adenomatous polyposis 1. Last evaluated: 2023-09-15. Review status: criteria provided, single submitter. Criteria: ACMG Guidelines, 2015. Collection method: clinical testing. Allele origin: unknown.

Women's Health and Genetics/Laboratory Corporation of America, LabCorp
Classification: Uncertain significance. Last evaluated: 2022-01-22. Review status: criteria provided, single submitter. Criteria: LabCorp Variant Classification Summary - May 2015. Collection method: clinical testing. Allele origin: germline.

NM_000038.6(APC):c.813G>A (p.Met271Ile)

Gene: APC (APC regulator of Wnt signaling pathway; plus strand). Cytogenetic location: 5q22.2.
Variant type: single nucleotide variant.
Coding change: c.813G>A on transcript NM_000038.6 (MANE Select); coding-DNA position 813, G replaced by A.
Protein change: p.Met271Ile; replaces methionine 271 with isoleucine.
Molecular consequence: missense variant. On other transcripts: 5 prime UTR variant (1).
Genome position (GRCh38, 1-based): chr5:112,801,362, G>A. VCF-style: chr5-112801362-G-A. GRCh37 (hg19) VCF-style: chr5-112137059-G-A.
Other names: c.813G>A, p.Met271Ile (NM_001127510.3, NM_001354895.2, NM_001354896.2 and 1 more transcripts); c.759G>A, p.Met253Ile (NM_001127511.3); c.843G>A, p.Met281Ile (NM_001354897.2, NM_001354902.2); c.738G>A, p.Met246Ile (NM_001354898.2, NM_001354904.2); c.729G>A, p.Met243Ile (NM_001354899.2); c.636G>A, p.Met212Ile (NM_001354900.2, NM_001354901.2, NM_001354905.2); c.-223G>A (NM_001354906.2); short protein forms M253I, M271I, M212I, M246I, M281I, M243I.
Identifiers: ClinVar variation 419482 (VCV000419482.32), dbSNP rs1064793903, ClinGen allele CA16023107.